The following is an entry in ClinVar:

NM_001734.5(C1S):c.355C>T (p.Arg119Cys)

Gene: C1S (complement C1s; plus strand). Cytogenetic location: 12p13.31.
Variant type: single nucleotide variant.
Coding change: c.355C>T on transcript NM_001734.5 (MANE Select); coding-DNA position 355, C replaced by T.
Protein change: p.Arg119Cys; replaces arginine 119 with cysteine.
Molecular consequence: missense variant. On other transcripts: 5 prime UTR variant (1).
Genome position (GRCh38, 1-based): chr12:7,063,031, C>T. VCF-style: chr12-7063031-C-T. GRCh37 (hg19) VCF-style: chr12-7170335-C-T.
Other names: c.-147C>T (NM_001346850.2); c.355C>T, p.Arg119Cys (NM_201442.4); short protein forms R119C.
Identifiers: ClinVar variation 2898810 (VCV002898810.3), dbSNP rs1265716590, ClinGen allele CA383689635.

ClinVar aggregate classification (germline): Uncertain significance (1 of 4 stars; one submission).

Allele frequency attached by ClinVar (database versions not stated): gnomAD 0.00001; TOPMed 0.00001.
gnomAD v4.1: 8 of 1,613,852 alleles (0.0005%); highest among the groups gnomAD compares: South Asian, 0.0022%; no homozygotes.

Submission:

Labcorp Genetics (formerly Invitae), Labcorp
Classification: Uncertain significance. Last evaluated: 2024-05-23. Review status: criteria provided, single submitter. Criteria: Invitae Variant Classification Sherloc (09022015). Collection method: clinical testing. Allele origin: germline.
Comment: This sequence change replaces arginine, which is basic and polar, with cysteine, which is neutral and slightly polar, at codon 119 of the C1S protein (p.Arg119Cys). This variant is present in population databases (no rsID available, gnomAD 0.003%). This variant has not been reported in the literature in individuals affected with C1S-related conditions. Advanced modeling of protein sequence and biophysical properties (such as structural, functional, and spatial information, amino acid conservation, physicochemical variation, residue mobility, and thermodynamic stability) performed at Invitae indicates that this missense variant is expected to disrupt C1S protein function with a positive predictive value of 80%. In summary, the available evidence is currently insufficient to determine the role of this variant in disease. Therefore, it has been classified as a Variant of Uncertain Significance.